The following is an entry in ClinVar:

NM_007118.4(TRIO):c.6221A>G (p.Glu2074Gly)

Gene: TRIO (trio Rho guanine nucleotide exchange factor; plus strand). Cytogenetic location: 5p15.2.
Variant type: single nucleotide variant.
Coding change: c.6221A>G on transcript NM_007118.4 (MANE Select); coding-DNA position 6221, A replaced by G.
Protein change: p.Glu2074Gly; replaces glutamic acid 2074 with glycine.
Molecular consequence: missense variant. On other transcripts: non-coding transcript variant (1).
Genome position (GRCh38, 1-based): chr5:14,479,328, A>G. VCF-style: chr5-14479328-A-G. GRCh37 (hg19) VCF-style: chr5-14479437-A-G.
Other names: short protein forms E2074G.
Identifiers: ClinVar variation 2808912 (VCV002808912.3), dbSNP rs1755342140, ClinGen allele CA359233969.

ClinVar aggregate classification (germline): Uncertain significance (1 of 4 stars; one submission).

Allele frequency attached by ClinVar (database versions not stated): TOPMed below 0.00001.
gnomAD v4.1: 1 of 1,613,712 alleles (0.000062%); highest among the groups gnomAD compares: Non-Finnish European, 0.000085%; no homozygotes.

Submission:

Labcorp Genetics (formerly Invitae), Labcorp
Classification: Uncertain significance. Last evaluated: 2025-11-09. Review status: criteria provided, single submitter. Criteria: Invitae Variant Classification Sherloc (09022015). Collection method: clinical testing. Allele origin: germline.
Comment: This sequence change replaces glutamic acid, which is acidic and polar, with glycine, which is neutral and non-polar, at codon 2074 of the TRIO protein (p.Glu2074Gly). This variant is not present in population databases (gnomAD no frequency). This variant has not been reported in the literature in individuals affected with TRIO-related conditions. ClinVar contains an entry for this variant (Variation ID: 2808912). Invitae Evidence Modeling of protein sequence and biophysical properties (such as structural, functional, and spatial information, amino acid conservation, physicochemical variation, residue mobility, and thermodynamic stability) indicates that this missense variant is expected to disrupt TRIO protein function with a positive predictive value of 95%. In summary, the available evidence is currently insufficient to determine the role of this variant in disease. Therefore, it has been classified as a Variant of Uncertain Significance.